The following is an entry in ClinVar:

ClinVar aggregate classification (germline): Uncertain significance (1 of 4 stars; one submission).

Conditions:
Cardiovascular phenotype. Identifiers: MedGen CN230736.
Hereditary cancer-predisposing syndrome. Also called: Neoplastic Syndromes, Hereditary; Tumor predisposition; Hereditary Cancer Syndrome; Hereditary neoplastic syndrome. Identifiers: Orphanet 140162, MedGen C0027672, MeSH D009386, MONDO:0015356.

Submission:

Ambry Genetics
Classification: Uncertain significance for Cardiovascular phenotype; Hereditary cancer-predisposing syndrome. Last evaluated: 2025-12-04. Review status: criteria provided, single submitter. Criteria: Ambry Variant Classification Scheme 2023. Collection method: clinical testing. Allele origin: germline.
Comment: The c.2219+5_2219+6delCCinsTT intronic variant, located in intron 18 of the LZTR1 gene, results from an in-frame from the deletion of two nucleotides (CC) and the insertion of two nucleotides (TT) at nucleotide position 2219+5 and 2219+6. These nucleotide positions are highly conserved in available vertebrate species. In silico splice site analysis predicts that this alteration will not have any significant effect on splicing. Based on the available evidence, the clinical significance of this variant remains unclear.

NM_006767.4(LZTR1):c.2219+5_2219+6delinsTT

Gene: LZTR1 (leucine zipper like post translational regulator 1; plus strand). Cytogenetic location: 22q11.21.
Variant type: Indel.
Coding change: c.2219+5_2219+6delinsTT on transcript NM_006767.4 (MANE Select); bases 5 to 6 of the intron after coding-DNA position 2219, CC replaced by TT.
Molecular consequence: intron variant.
Genome position (GRCh38, 1-based): chr22:20,996,117-20,996,118, CC replaced by TT. VCF-style: chr22-20996117-CC-TT. GRCh37 (hg19) VCF-style: chr22-21350406-CC-TT.
Identifiers: ClinVar variation 4615664 (VCV004615664.1).